The following is an entry in ClinVar:

ClinVar aggregate classification (germline): Uncertain significance. Review status: criteria provided, multiple submitters, no conflicts (2 of 4 stars). 4 submissions from 4 submitters: Uncertain significance (4). Last evaluated 2024-07-20.

Conditions:
Malignant hyperthermia, susceptibility to, 1 (MHS1). Also called: Anesthesia related hyperthermia; Malignant hyperpyrexia; Fulminating hyperpyrexia; Pharmacogenic myopathy; RYR1-Related Malignant Hyperthermia Susceptibility; Malignant hyperthermia suceptibility 1. Identifiers: Orphanet 423, MedGen C2930980, MONDO:0007783, OMIM 145600.
RYR1-related disorder. Also called: RYR1-related disorders; RYR1-related condition. Identifiers: MedGen CN239331.

Allele frequency attached by ClinVar (database versions not stated): gnomAD exomes 0.00001.
gnomAD v4.1: 6 of 1,613,938 alleles (0.00037%); highest among the groups gnomAD compares: Middle Eastern, 0.017%; no homozygotes.

Submissions (4):

All of Us Research Program, National Institutes of Health
Classification: Uncertain significance for Malignant hyperthermia, susceptibility to, 1. Last evaluated: 2024-07-20. Review status: criteria provided, single submitter. Criteria: ACMG Guidelines, 2015. Collection method: clinical testing. Allele origin: germline. Inheritance: Autosomal dominant inheritance. Observed: 9 variant alleles, 9 heterozygotes.
Comment: This missense variant replaces arginine with glutamine at codon 4674 of the RYR1 protein. Computational prediction suggests that this variant may have deleterious impact on protein structure and function (internally defined REVEL score threshold >= 0.7, PMID: 27666373). To our knowledge, functional studies have not been reported for this variant. This variant has not been reported in individuals affected with RYR1-related disorders in the literature. This variant has been identified in 2/251434 chromosomes in the general population by the Genome Aggregation Database (gnomAD). The available evidence is insufficient to determine the role of this variant in disease conclusively. Therefore, this variant is classified as a Variant of Uncertain Significance.

This study involves interpretation of variants in research participants for the purpose of population health screening. Participant phenotype was not available at the time of variant classification. Additional details can be found in publication PMID: 35346344, PMCID: PMC8962531

Labcorp Genetics (formerly Invitae), Labcorp
Classification: Uncertain significance for RYR1-related disorder. Last evaluated: 2024-02-08. Review status: criteria provided, single submitter. Criteria: Invitae Variant Classification Sherloc (09022015). Collection method: clinical testing. Allele origin: germline.
Comment: This sequence change replaces arginine, which is basic and polar, with glutamine, which is neutral and polar, at codon 4674 of the RYR1 protein (p.Arg4674Gln). This variant is present in population databases (no rsID available, gnomAD 0.002%). This missense change has been observed in individual(s) with RYR1-related conditions (PMID: 35846108). ClinVar contains an entry for this variant (Variation ID: 1414064). Advanced modeling of protein sequence and biophysical properties (such as structural, functional, and spatial information, amino acid conservation, physicochemical variation, residue mobility, and thermodynamic stability) performed at Invitae indicates that this missense variant is expected to disrupt RYR1 protein function with a positive predictive value of 95%. In summary, the available evidence is currently insufficient to determine the role of this variant in disease. Therefore, it has been classified as a Variant of Uncertain Significance.

Color Diagnostics, LLC DBA Color Health
Classification: Uncertain significance for Malignant hyperthermia, susceptibility to, 1. Last evaluated: 2024-02-03. Review status: criteria provided, single submitter. Criteria: ACMG Guidelines, 2015. Collection method: clinical testing. Allele origin: germline.
Comment: This missense variant replaces arginine with glutamine at codon 4674 of the RYR1 protein. Computational prediction suggests that this variant may have deleterious impact on protein structure and function. To our knowledge, functional studies have not been reported for this variant. This variant has not been reported in individuals affected with RYR1-related disorders in the literature. This variant has been identified in 2/251434 chromosomes in the general population by the Genome Aggregation Database (gnomAD). The available evidence is insufficient to determine the role of this variant in disease conclusively. Therefore, this variant is classified as a Variant of Uncertain Significance.

Revvity Omics, Revvity
Classification: Uncertain significance. Last evaluated: 2019-11-15. Review status: criteria provided, single submitter. Criteria: ACMG Guidelines, 2015. Collection method: clinical testing. Allele origin: germline.

Literature cited by the submitters: PubMed 35846108 (cited by Labcorp Genetics (formerly Invitae), Labcorp).

NM_000540.3(RYR1):c.14021G>A (p.Arg4674Gln)

Gene: RYR1 (ryanodine receptor 1; plus strand). Cytogenetic location: 19q13.2.
Variant type: single nucleotide variant.
Coding change: c.14021G>A on transcript NM_000540.3 (MANE Select); coding-DNA position 14021, G replaced by A.
Protein change: p.Arg4674Gln; replaces arginine 4674 with glutamine.
Molecular consequence: missense variant.
Genome position (GRCh38, 1-based): chr19:38,573,199, G>A. VCF-style: chr19-38573199-G-A. GRCh37 (hg19) VCF-style: chr19-39063839-G-A.
Other names: c.14006G>A, p.Arg4669Gln (NM_001042723.2); c.14021G>A (NM_000540.2); short protein forms R4669Q, R4674Q.
Identifiers: ClinVar variation 1414064 (VCV001414064.12), dbSNP rs1328709837, ClinGen allele CA405681922.